The following is an entry in ClinVar:

NM_012388.4(BLOC1S6):c.115A>G (p.Ile39Val)

Gene: BLOC1S6 (biogenesis of lysosomal organelles complex 1 subunit 6; plus strand). Cytogenetic location: 15q21.1.
Variant type: single nucleotide variant.
Coding change: c.115A>G on transcript NM_012388.4 (MANE Select); coding-DNA position 115, A replaced by G.
Protein change: p.Ile39Val; replaces isoleucine 39 with valine.
Molecular consequence: missense variant. On other transcripts: non-coding transcript variant (5).
Genome position (GRCh38, 1-based): chr15:45,592,167, A>G. VCF-style: chr15-45592167-A-G. GRCh37 (hg19) VCF-style: chr15-45884365-A-G.
Other names: c.130A>G, p.Ile44Val (NM_001311255.1, NM_001311256.1); short protein forms I39V, I44V.
Identifiers: ClinVar variation 950137 (VCV000950137.9), dbSNP rs779791657, ClinGen allele CA7544261.

ClinVar aggregate classification (germline): Uncertain significance (1 of 4 stars; one submission).

Conditions:
Hermansky-Pudlak syndrome 9 (HPS9). Identifiers: Orphanet 280663, Orphanet 79430, MedGen C3280026, MONDO:0013606, OMIM 614171.

Allele frequency attached by ClinVar (database versions not stated): ExAC 0.00001; gnomAD 0.00001; TOPMed 0.00001.
gnomAD v4.1: 10 of 1,614,064 alleles (0.00062%); highest among the groups gnomAD compares: Admixed American, 0.0017%; no homozygotes.

Submission:

Labcorp Genetics (formerly Invitae), Labcorp
Classification: Uncertain significance for Hermansky-Pudlak syndrome 9. Last evaluated: 2022-10-08. Review status: criteria provided, single submitter. Criteria: Invitae Variant Classification Sherloc (09022015). Collection method: clinical testing. Allele origin: germline.
Comment: This sequence change replaces isoleucine, which is neutral and non-polar, with valine, which is neutral and non-polar, at codon 39 of the BLOC1S6 protein (p.Ile39Val). This variant is present in population databases (rs779791657, gnomAD 0.002%). This variant has not been reported in the literature in individuals affected with BLOC1S6-related conditions. ClinVar contains an entry for this variant (Variation ID: 950137). Algorithms developed to predict the effect of missense changes on protein structure and function output the following: SIFT: "Tolerated"; PolyPhen-2: "Benign"; Align-GVGD: "Class C0". The valine amino acid residue is found in multiple mammalian species, which suggests that this missense change does not adversely affect protein function. In summary, the available evidence is currently insufficient to determine the role of this variant in disease. Therefore, it has been classified as a Variant of Uncertain Significance.